The following is an entry in ClinVar:

ClinVar aggregate classification (germline): Uncertain significance (1 of 4 stars; one submission).

Submission:

GeneDx
Classification: Uncertain significance. Last evaluated: 2024-10-25. Review status: criteria provided, single submitter. Criteria: GeneDx Variant Classification Process June 2021. Collection method: clinical testing. Allele origin: germline. Affected: yes.
Comment: Not observed at significant frequency in large population cohorts (gnomAD); In silico analysis supports that this missense variant has a deleterious effect on protein structure/function; Has not been previously published as pathogenic or benign to our knowledge

NM_182931.3(KMT2E):c.3316T>G (p.Cys1106Gly)

Gene: KMT2E (lysine methyltransferase 2E (inactive); plus strand). Cytogenetic location: 7q22.3.
Variant type: single nucleotide variant.
Coding change: c.3316T>G on transcript NM_182931.3 (MANE Select); coding-DNA position 3316, T replaced by G.
Protein change: p.Cys1106Gly; replaces cysteine 1106 with glycine.
Molecular consequence: missense variant.
Genome position (GRCh38, 1-based): chr7:105,107,773, T>G. VCF-style: chr7-105107773-T-G. GRCh37 (hg19) VCF-style: chr7-104748220-T-G.
Other names: c.3316T>G, p.Cys1106Gly (NM_018682.4); short protein forms C1106G.
Identifiers: ClinVar variation 1695572 (VCV001695572.3), dbSNP rs2129569922, ClinGen allele CA368789104.